The following is an entry in ClinVar:

NM_002941.4(ROBO1):c.1071C>A (p.Pro357=)

Gene: ROBO1 (roundabout guidance receptor 1; minus strand). Cytogenetic location: 3p12.3.
Variant type: single nucleotide variant.
Coding change: c.1071C>A on transcript NM_002941.4 (MANE Select); coding-DNA position 1071, C replaced by A.
Protein change: p.Pro357=; no amino-acid change (proline 357 retained).
Molecular consequence: synonymous variant.
Genome position (GRCh38, 1-based): chr3:78,688,747, G>T on the plus strand (C>A on the coding strand, the complement: ROBO1 is on the minus strand). VCF-style: chr3-78688747-G-T. GRCh37 (hg19) VCF-style: chr3-78737897-G-T.
Other names: c.963C>A, p.Pro321= (NM_001145845.2, NM_133631.4).
Identifiers: ClinVar variation 715967 (VCV000715967.14), dbSNP rs146168228, ClinGen allele CA2499056.
Genomic context (GRCh38, chr3:78,688,747, plus strand): 5'-ATTTCCGGTTGCTTCACACTGAAAAGTTACAGTCCGTCCCAAAGCAACAACCTGGTCACG[G>T]GGTTTCACAACAAAATGTGGAGGTTCTGAAGGAGGTGAAACAAATTACACCGAATTAAAA-3'
Protein context (NP_002932.1, residues 347-367): VQEPPHFVVK[Pro357=]RDQVVALGRT

ClinVar aggregate classification (germline): Benign/Likely benign. Review status: criteria provided, multiple submitters, no conflicts (2 of 4 stars). 3 submissions from 3 submitters: Benign (2); Likely benign (1). Last evaluated 2026-04-01.

Allele frequency attached by ClinVar (database versions not stated): gnomAD exomes 0.00016 and 0.00048; ExAC 0.00081; gnomAD 0.00197 and 0.00218; 1000 Genomes Project 0.00200; 1000 Genomes Project 30x 0.00203; TOPMed 0.00218; ESP Exome Variant Server 0.00268.
gnomAD v4.1: 551 of 1,609,216 alleles (0.034%); highest among the groups gnomAD compares: African/African-American, 0.65%; 2 homozygotes.

Submissions (3):

CeGaT Center for Human Genetics Tuebingen
Classification: Likely benign. Last evaluated: 2026-04-01. Review status: criteria provided, single submitter. Criteria: CeGaT Center For Human Genetics Tuebingen Variant Classification Criteria Version 2. Collection method: clinical testing. Allele origin: germline. Affected: yes. Observed: 2 variant alleles.
Comment: ROBO1: BP4, BP7

Labcorp Genetics (formerly Invitae), Labcorp
Classification: Benign. Last evaluated: 2025-10-23. Review status: criteria provided, single submitter. Criteria: Invitae Variant Classification Sherloc (09022015). Collection method: clinical testing. Allele origin: germline.

Breakthrough Genomics
Classification: Benign. Review status: criteria provided, single submitter. Criteria: ACMG Guidelines, 2015. Collection method: not provided. Allele origin: germline. Inheritance: Unknown mechanism. Affected: yes.